The following is an entry in ClinVar:

ClinVar aggregate classification (germline): Uncertain significance (1 of 4 stars; one submission).

gnomAD v4.1: 5 of 1,613,798 alleles (0.00031%); highest among the groups gnomAD compares: Non-Finnish European, 0.00042%; no homozygotes.

Submission:

Labcorp Genetics (formerly Invitae), Labcorp
Classification: Uncertain significance. Last evaluated: 2024-08-04. Review status: criteria provided, single submitter. Criteria: Invitae Variant Classification Sherloc (09022015). Collection method: clinical testing. Allele origin: germline.
Comment: This sequence change replaces alanine, which is neutral and non-polar, with glutamic acid, which is acidic and polar, at codon 1557 of the FOCAD protein (p.Ala1557Glu). This variant is not present in population databases (gnomAD no frequency). This variant has not been reported in the literature in individuals affected with FOCAD-related conditions. Experimental studies and prediction algorithms are not available or were not evaluated, and the functional significance of this variant is currently unknown. In summary, the available evidence is currently insufficient to determine the role of this variant in disease. Therefore, it has been classified as a Variant of Uncertain Significance.

NM_001375567.1(FOCAD):c.4670C>A (p.Ala1557Glu)

Gene: FOCAD (focadhesin; plus strand). Cytogenetic location: 9p21.3.
Variant type: single nucleotide variant.
Coding change: c.4670C>A on transcript NM_001375567.1 (MANE Select); coding-DNA position 4670, C replaced by A.
Protein change: p.Ala1557Glu; replaces alanine 1557 with glutamic acid.
Molecular consequence: missense variant.
Genome position (GRCh38, 1-based): chr9:20,982,388, C>A. VCF-style: chr9-20982388-C-A. GRCh37 (hg19) VCF-style: chr9-20982387-C-A.
Other names: c.4565C>A, p.Ala1522Glu (NM_001375568.1, NM_001375570.1); c.4670C>A, p.Ala1557Glu (NM_017794.5); short protein forms A1522E, A1557E.
Identifiers: ClinVar variation 3637312 (VCV003637312.2).
Genomic context (GRCh38, chr9:20,982,388, plus strand): 5'-TTGACATGTTTGGGATTTTTCTTTATCAGAGAAAGGATCTAGAGCTGTATATCAGCATAG[C>A]AAAATGCCTCTTAGAAATGACAGATGATGATGCCAATCGGATCGCCCAGGTTACTAAGGT-3'
Protein context (NP_001362496.1, residues 1547-1567): RKDLELYISI[Ala1557Glu]KCLLEMTDDD